The following is an entry in ClinVar:

ClinVar aggregate classification (germline): Uncertain significance (1 of 4 stars; one submission).

Submission:

Labcorp Genetics (formerly Invitae), Labcorp
Classification: Uncertain significance. Last evaluated: 2022-12-02. Review status: criteria provided, single submitter. Criteria: Invitae Variant Classification Sherloc (09022015). Collection method: clinical testing. Allele origin: germline.
Comment: In summary, the available evidence is currently insufficient to determine the role of this variant in disease. Therefore, it has been classified as a Variant of Uncertain Significance. Advanced modeling of protein sequence and biophysical properties (such as structural, functional, and spatial information, amino acid conservation, physicochemical variation, residue mobility, and thermodynamic stability) performed at Invitae indicates that this missense variant is not expected to disrupt BACH2 protein function. This variant has not been reported in the literature in individuals affected with BACH2-related conditions. This variant is not present in population databases (gnomAD no frequency). This sequence change replaces serine, which is neutral and polar, with threonine, which is neutral and polar, at codon 743 of the BACH2 protein (p.Ser743Thr).

NM_021813.4(BACH2):c.2228G>C (p.Ser743Thr)

Gene: BACH2 (BACH transcriptional regulator 2; minus strand). Cytogenetic location: 6q15.
Variant type: single nucleotide variant.
Coding change: c.2228G>C on transcript NM_021813.4 (MANE Select); coding-DNA position 2228, G replaced by C.
Protein change: p.Ser743Thr; replaces serine 743 with threonine.
Molecular consequence: missense variant.
Genome position (GRCh38, 1-based): chr6:89,932,706, C>G on the plus strand (G>C on the coding strand, the complement: BACH2 is on the minus strand). VCF-style: chr6-89932706-C-G. GRCh37 (hg19) VCF-style: chr6-90642425-C-G.
Other names: c.2228G>C, p.Ser743Thr (NM_001170794.2); short protein forms S743T.
Identifiers: ClinVar variation 3014652 (VCV003014652.3), dbSNP rs1407101402, ClinGen allele CA365027374.